The following is an entry in ClinVar:

NM_019098.5(CNGB3):c.1319del (p.Gln440fs)

Gene: CNGB3 (cyclic nucleotide gated channel subunit beta 3; minus strand). Cytogenetic location: 8q21.3.
Variant type: Deletion.
Coding change: c.1319del on transcript NM_019098.5 (MANE Select); coding-DNA position 1319, one base deleted (A; older notation c.1319delA).
Protein change: p.Gln440fs; shifts the reading frame from glutamine 440.
Molecular consequence: frameshift variant.
Genome position (GRCh38, 1-based): chr8:86,632,753, T deleted on the plus strand (A on the coding strand, the reverse complement: CNGB3 is on the minus strand). VCF-style (leftmost placement, unchanged base first): chr8-86632752-CT-C. GRCh37 (hg19) VCF-style: chr8-87644980-CT-C.
Other names: short protein forms Q440fs.
Identifiers: ClinVar variation 5014170 (VCV005014170.1).

ClinVar aggregate classification (germline): Pathogenic (1 of 4 stars; one submission).

Conditions:
Achromatopsia 3 (ACHM3). Also called: ACHROMATOPSIA WITH MYOPIA; PINGELAPESE BLINDNESS; TOTAL COLORBLINDNESS WITH MYOPIA; ROD MONOCHROMACY 1; ROD MONOCHROMATISM 1. Identifiers: Orphanet 49382, MedGen C1849792, MONDO:0009875, OMIM 262300.

Submission:

Myriad Genetics, Inc.
Classification: Pathogenic for Achromatopsia 3. Last evaluated: 2025-03-02. Review status: criteria provided, single submitter. Criteria: Myriad Autosomal Dominant, Autosomal Recessive and X-Linked Classification Criteria (2023). Collection method: clinical testing. Allele origin: unknown.
Comment: NM_019098.4(CNGB3):c.1319delA(Q440Rfs*2) is expected to be pathogenic in the context of achromatopsia, CNGB3-related. This variant is predicted to lead to an abnormal or absent protein product due to the creation of a premature termination codon in CNGB3, a gene where loss-of-function variants are known to be pathogenic. Please note: this variant was assessed in the context of healthy population screening.